The following is an entry in ClinVar:

NM_002546.4(TNFRSF11B):c.1120A>T (p.Ser374Cys)

Gene: TNFRSF11B (TNF receptor superfamily member 11b; minus strand). Cytogenetic location: 8q24.12.
Variant type: single nucleotide variant.
Coding change: c.1120A>T on transcript NM_002546.4 (MANE Select); coding-DNA position 1120, A replaced by T.
Protein change: p.Ser374Cys; replaces serine 374 with cysteine.
Molecular consequence: missense variant.
Genome position (GRCh38, 1-based): chr8:118,924,460, T>A on the plus strand (A>T on the coding strand, the complement: TNFRSF11B is on the minus strand). VCF-style: chr8-118924460-T-A. GRCh37 (hg19) VCF-style: chr8-119936699-T-A.
Other names: short protein forms S374C.
Identifiers: ClinVar variation 4753330 (VCV004753330.1).

ClinVar aggregate classification (germline): Uncertain significance (1 of 4 stars; one submission).

gnomAD v4.1: 4 of 1,614,132 alleles (0.00025%); highest among the groups gnomAD compares: Non-Finnish European, 0.00034%; no homozygotes.

Submission:

Labcorp Genetics (formerly Invitae), Labcorp
Classification: Uncertain significance. Last evaluated: 2025-05-01. Review status: criteria provided, single submitter. Criteria: Invitae Variant Classification Sherloc (09022015). Collection method: clinical testing. Allele origin: germline.
Comment: This sequence change replaces serine, which is neutral and polar, with cysteine, which is neutral and slightly polar, at codon 374 of the TNFRSF11B protein (p.Ser374Cys). This variant is not present in population databases (gnomAD no frequency). This variant has not been reported in the literature in individuals affected with TNFRSF11B-related conditions. An algorithm developed to predict the effect of missense changes on protein structure and function (PolyPhen-2) suggests that this variant is likely to be disruptive. In summary, the available evidence is currently insufficient to determine the role of this variant in disease. Therefore, it has been classified as a Variant of Uncertain Significance.